The following is an entry in ClinVar:

ClinVar aggregate classification (germline): Likely benign. Review status: criteria provided, single submitter (1 of 4 stars). 2 submissions from 2 submitters: Likely benign (1). 1 of the submissions does not count toward it. Last evaluated 2025-08-25.

Conditions:
ACBD5-related disorder. Also called: ACBD5-related condition.

Allele frequency attached by ClinVar (database versions not stated): gnomAD exomes 0.00002; ExAC 0.00001; gnomAD 0.00006 and 0.00008; TOPMed 0.00012; ESP Exome Variant Server 0.00015.
gnomAD v4.1: 22 of 1,614,062 alleles (0.0014%); highest among the groups gnomAD compares: African/African-American, 0.017%; no homozygotes.

Submissions (2):

Labcorp Genetics (formerly Invitae), Labcorp
Classification: Likely benign. Last evaluated: 2025-08-25. Review status: criteria provided, single submitter. Criteria: Invitae Variant Classification Sherloc (09022015). Collection method: clinical testing. Allele origin: germline.

PreventionGenetics, part of Exact Sciences
Classification: Likely benign for ACBD5-related condition. Last evaluated: 2019-09-18. Review status: no assertion criteria provided. Collection method: clinical testing. Allele origin: germline. Not counted in ClinVar's aggregate classification.
Comment: This variant is classified as likely benign based on ACMG/AMP sequence variant interpretation guidelines (Richards et al. 2015 PMID: 25741868, with internal and published modifications).

NM_145698.5(ACBD5):c.982T>C (p.Leu328=)

Gene: ACBD5 (acyl-CoA binding domain containing 5; minus strand). Cytogenetic location: 10p12.1.
Variant type: single nucleotide variant.
Coding change: c.982T>C on transcript NM_145698.5 (MANE Select); coding-DNA position 982, T replaced by C.
Protein change: p.Leu328=; no amino-acid change (leucine 328 retained).
Molecular consequence: synonymous variant.
Genome position (GRCh38, 1-based): chr10:27,211,036, A>G on the plus strand (T>C on the coding strand, the complement: ACBD5 is on the minus strand). VCF-style: chr10-27211036-A-G. GRCh37 (hg19) VCF-style: chr10-27499965-A-G.
Other names: c.877T>C, p.Leu293= (NM_001042473.4, NM_001352577.2, NM_001352578.2 and 1 more transcripts); c.976T>C, p.Leu326= (NM_001271512.3); c.655T>C, p.Leu219= (NM_001301251.2, NM_001301252.2, NM_001301253.2 and 2 more transcripts); c.451T>C, p.Leu151= (NM_001301254.2); c.1036T>C, p.Leu346= (NM_001352568.1); c.1015T>C, p.Leu339= (NM_001352569.1); c.982T>C, p.Leu328= (NM_001352570.1); c.1009T>C, p.Leu337= (NM_001352571.1); and 11 more.
Identifiers: ClinVar variation 1115476 (VCV001115476.11), dbSNP rs376530819, ClinGen allele CA5450771.